The following is an entry in ClinVar:

NM_001846.4(COL4A2):c.1969G>T (p.Gly657Ter)

Gene: COL4A2 (collagen type IV alpha 2 chain; plus strand). Cytogenetic location: 13q34.
Variant type: single nucleotide variant.
Coding change: c.1969G>T on transcript NM_001846.4 (MANE Select); coding-DNA position 1969, G replaced by T.
Protein change: p.Gly657Ter; replaces glycine 657 with a stop codon.
Molecular consequence: nonsense.
Genome position (GRCh38, 1-based): chr13:110,465,597, G>T. VCF-style: chr13-110465597-G-T. GRCh37 (hg19) VCF-style: chr13-111117944-G-T.
Other names: short protein forms G657*.
Identifiers: ClinVar variation 5005228 (VCV005005228.2).

ClinVar aggregate classification (germline): Uncertain significance (1 of 4 stars; one submission).

Conditions:
Brain small vessel disease 2A, autosomal dominant. Also called: Porencephaly 2. Identifiers: Orphanet 2940, Orphanet 99810, MedGen C3280970, MONDO:0013773, OMIM 614483.
Hemorrhage, intracerebral, susceptibility to (ICH). Also called: Stroke, hemorrhagic, susceptibility to. Identifiers: MedGen C3281105, MONDO:0100533, OMIM 614519.

Submission:

Juno Genomics, Hangzhou Juno Genomics, Inc
Classification: Uncertain significance for Hemorrhage, intracerebral, susceptibility to; Brain small vessel disease 2A, autosomal dominant. Review status: criteria provided, single submitter. Criteria: ACMG Guidelines, 2015. Collection method: clinical testing. Allele origin: germline.
Comment: Absent from controls (or at extremely low frequency if recessive) in Genome Aggregation Database.